The following is an entry in ClinVar:

NM_001371623.1(TCOF1):c.2859+3303G>A

Gene: TCOF1 (treacle ribosome biogenesis factor 1; plus strand). Cytogenetic location: 5q32.
Variant type: single nucleotide variant.
Coding change: c.2859+3303G>A on transcript NM_001371623.1 (MANE Select); 3303 bases into the intron after coding-DNA position 2859, G replaced by A.
Molecular consequence: intron variant.
Genome position (GRCh38, 1-based): chr5:150,383,035, G>A. VCF-style: chr5-150383035-G-A. GRCh37 (hg19) VCF-style: chr5-149762598-G-A.
Other names: c.2859+3303G>A (NM_001135243.2, NM_001135244.2, NM_001195141.2); c.2628+3303G>A (NM_001135245.2, NM_000356.4); c.2860-703G>A (NM_001008657.3).
Identifiers: ClinVar variation 209033 (VCV000209033.2), dbSNP rs112447402, ClinGen allele CA276102.

ClinVar aggregate classification (germline): Likely benign. Review status: criteria provided, single submitter (1 of 4 stars). 2 submissions from 2 submitters: Likely benign (1). 1 of the submissions does not count toward it.

Conditions:
Treacher Collins syndrome 1 (TCS1). Also called: TCOF1-Related Treacher Collins Syndrome. Identifiers: Orphanet 861, MedGen CN315775, MONDO:0007944, OMIM 154500.

Allele frequency attached by ClinVar (database versions not stated): 1000 Genomes Project 30x 0.00297; 1000 Genomes Project 0.00339; TOPMed 0.00712; gnomAD 0.00742 and 0.00743; gnomAD exomes 0.01027; ExAC 0.02235.
gnomAD v4.1: 15,088 of 1,515,362 alleles (1%); highest among the groups gnomAD compares: Middle Eastern, 1.8%; 136 homozygotes.

Submissions (2):

Breakthrough Genomics
Classification: Likely benign. Review status: criteria provided, single submitter. Criteria: ACMG Guidelines, 2015. Collection method: not provided. Allele origin: germline. Inheritance: Autosomal dominant inheritance. Affected: yes.

Genetics Laboratories, Oxford Radcliffe Hospitals NHS Trust
Classification: Benign for Treacher collins syndrome 1. Review status: no assertion criteria provided. Collection method: not provided. Allele origin: somatic. Not counted in ClinVar's aggregate classification.